The following is an entry in ClinVar:

ClinVar aggregate classification (germline): Benign/Likely benign. Review status: criteria provided, multiple submitters, no conflicts (2 of 4 stars). 4 submissions from 4 submitters: Benign (1); Likely benign (3). Last evaluated 2026-02-04.

Conditions:
Iodotyrosyl coupling defect (TDH3). Also called: HYPOTHYROIDISM, CONGENITAL, DUE TO DYSHORMONOGENESIS, 3; THYROID HORMONOGENESIS, GENETIC DEFECT IN, 3. Identifiers: Orphanet 95716, MedGen C0342194, MONDO:0010135, OMIM 274700.

Allele frequency attached by ClinVar (database versions not stated): ESP Exome Variant Server 0.03123; TOPMed 0.03441; 1000 Genomes Project 30x 0.05059; 1000 Genomes Project 0.05152.
gnomAD v4.1: 17,264 of 1,604,020 alleles (1.1%); highest among the groups gnomAD compares: African/African-American, 9.2%; 563 homozygotes.

Submissions (4):

Labcorp Genetics (formerly Invitae), Labcorp
Classification: Benign. Last evaluated: 2026-02-04. Review status: criteria provided, single submitter. Criteria: Invitae Variant Classification Sherloc (09022015). Collection method: clinical testing. Allele origin: germline.

Blueprint Genetics
Classification: Likely benign. Last evaluated: 2024-11-27. Review status: criteria provided, single submitter. Criteria: ACMG Guidelines, 2015. Collection method: clinical testing. Allele origin: germline.

Illumina Laboratory Services, Illumina
Classification: Likely benign for Iodotyrosyl coupling defect. Last evaluated: 2018-01-12. Review status: criteria provided, single submitter. Criteria: ICSL Variant Classification Criteria 13 December 2019. Collection method: clinical testing. Allele origin: germline.
Comment: This variant was observed in the ICSL laboratory as part of a predisposition screen in an ostensibly healthy population. It had not been previously curated by ICSL or reported in the Human Gene Mutation Database (HGMD: prior to June 1st, 2018), and was therefore a candidate for classification through an automated scoring system. Utilizing variant allele frequency, disease prevalence and penetrance estimates, and inheritance mode, an automated score was calculated to assess if this variant is too frequent to cause the disease. Based on the score and internal cut-off values, a variant classified as likely benign is not then subjected to further curation. The score for this variant resulted in a classification of likely benign for this disease.

Breakthrough Genomics
Classification: Likely benign. Review status: criteria provided, single submitter. Criteria: ACMG Guidelines, 2015. Collection method: not provided. Allele origin: germline. Inheritance: Autosomal recessive inheritance. Affected: yes.

NM_003235.5(TG):c.2761+11G>T

Gene: TG (thyroglobulin; plus strand). Cytogenetic location: 8q24.22.
Variant type: single nucleotide variant.
Coding change: c.2761+11G>T on transcript NM_003235.5 (MANE Select); 11 bases into the intron after coding-DNA position 2761, G replaced by T.
Molecular consequence: intron variant.
Genome position (GRCh38, 1-based): chr8:132,888,579, G>T. VCF-style: chr8-132888579-G-T. GRCh37 (hg19) VCF-style: chr8-133900824-G-T.
Identifiers: ClinVar variation 361931 (VCV000361931.10), dbSNP rs77660463, ClinGen allele CA4883470.
Genomic context (GRCh38, chr8:132,888,579, plus strand): 5'-TGGCCAAGAACTGGAAGGAATGCGGTCTGAGCCAAGCAAGCTCCCAACATGTGAGCTAAC[G>T]CATATGAAGAGTTAAATGTGTGTGTGTGTGTGTGTGTGTGTGTATGTGTGTTTAACATAT-3'